The following is an entry in ClinVar:

ClinVar aggregate classification (germline): Uncertain significance. Review status: criteria provided, multiple submitters, no conflicts (2 of 4 stars). 2 submissions from 2 submitters: Uncertain significance (2). Last evaluated 2025-01-19.

Conditions:
Hereditary cancer-predisposing syndrome. Also called: Neoplastic Syndromes, Hereditary; Tumor predisposition; Hereditary Cancer Syndrome; Hereditary neoplastic syndrome. Identifiers: Orphanet 140162, MedGen C0027672, MeSH D009386, MONDO:0015356.
Familial cancer of breast. Also called: BREAST CANCER, FAMILIAL; Hereditary breast cancer; hereditary breast carcinoma. Identifiers: Orphanet 227535, MedGen C0346153, MONDO:0016419, OMIM 114480. Disease mechanism: loss of function.

Submissions (2):

Labcorp Genetics (formerly Invitae), Labcorp
Classification: Uncertain significance for Familial cancer of breast. Last evaluated: 2025-01-19. Review status: criteria provided, single submitter. Criteria: Invitae Variant Classification Sherloc (09022015). Collection method: clinical testing. Allele origin: germline.
Comment: This sequence change replaces leucine, which is neutral and non-polar, with glutamine, which is neutral and polar, at codon 977 of the PALB2 protein (p.Leu977Gln). This variant is not present in population databases (gnomAD no frequency). This variant has not been reported in the literature in individuals affected with PALB2-related conditions. ClinVar contains an entry for this variant (Variation ID: 1797817). Invitae Evidence Modeling of protein sequence and biophysical properties (such as structural, functional, and spatial information, amino acid conservation, physicochemical variation, residue mobility, and thermodynamic stability) indicates that this missense variant is expected to disrupt PALB2 protein function with a positive predictive value of 80%. In summary, the available evidence is currently insufficient to determine the role of this variant in disease. Therefore, it has been classified as a Variant of Uncertain Significance.

Ambry Genetics
Classification: Uncertain significance for Hereditary cancer-predisposing syndrome. Last evaluated: 2022-03-04. Review status: criteria provided, single submitter. Criteria: Ambry Variant Classification Scheme 2023. Collection method: clinical testing. Allele origin: germline.
Comment: The p.L977Q variant (also known as c.2930T>A), located in coding exon 9 of the PALB2 gene, results from a T to A substitution at nucleotide position 2930. The leucine at codon 977 is replaced by glutamine, an amino acid with dissimilar properties. This amino acid position is conserved. In addition, the in silico prediction for this alteration is inconclusive. Since supporting evidence is limited at this time, the clinical significance of this alteration remains unclear.

NM_024675.4(PALB2):c.2930T>A (p.Leu977Gln)

Gene: PALB2 (partner and localizer of BRCA2; minus strand). Cytogenetic location: 16p12.2.
Variant type: single nucleotide variant.
Coding change: c.2930T>A on transcript NM_024675.4 (MANE Select); coding-DNA position 2930, T replaced by A.
Protein change: p.Leu977Gln; replaces leucine 977 with glutamine.
Molecular consequence: missense variant.
Genome position (GRCh38, 1-based): chr16:23,623,035, A>T on the plus strand (T>A on the coding strand, the complement: PALB2 is on the minus strand). VCF-style: chr16-23623035-A-T. GRCh37 (hg19) VCF-style: chr16-23634356-A-T.
Other names: c.2870T>A, p.Leu957Gln (NM_001407296.1); c.2858T>A, p.Leu953Gln (NM_001407297.1); c.2768T>A, p.Leu923Gln (NM_001407298.1, NM_001407302.1); c.2930T>A, p.Leu977Gln (NM_001407299.1, NM_001407301.1); c.2045T>A, p.Leu682Gln (NM_001407304.1, NM_001407305.1, NM_001407306.1 and 4 more transcripts); c.1883T>A, p.Leu628Gln (NM_001407307.1); c.1142T>A, p.Leu381Gln (NM_001407312.1, NM_001407313.1); c.464T>A, p.Leu155Gln (NM_001407314.1); short protein forms L628Q, L953Q, L381Q, L682Q, L957Q, L977Q, L155Q, L923Q.
Identifiers: ClinVar variation 1797817 (VCV001797817.4), dbSNP rs1060499825, ClinGen allele CA395144160.